The following is an entry in ClinVar:

ClinVar aggregate classification (germline): Uncertain significance (1 of 4 stars; one submission).

Conditions:
Succinate-semialdehyde dehydrogenase deficiency (SSADHD). Also called: SSADH DEFICIENCY; 4-HYDROXYBUTYRIC ACIDURIA; GABA METABOLIC DEFECT; Succinic Semialdehyde Dehydrogenase Deficiency. Identifiers: Orphanet 22, MedGen C0268631, MONDO:0010083, OMIM 271980.

Allele frequency attached by ClinVar (database versions not stated): gnomAD exomes below 0.00001; gnomAD 0.00001.
gnomAD v4.1: 8 of 1,411,398 alleles (0.00057%); highest among the groups gnomAD compares: African/African-American, 0.0015%; no homozygotes.

Submission:

Labcorp Genetics (formerly Invitae), Labcorp
Classification: Uncertain significance for Succinate-semialdehyde dehydrogenase deficiency. Last evaluated: 2022-01-03. Review status: criteria provided, single submitter. Criteria: Invitae Variant Classification Sherloc (09022015). Collection method: clinical testing. Allele origin: germline.
Comment: In summary, the available evidence is currently insufficient to determine the role of this variant in disease. Therefore, it has been classified as a Variant of Uncertain Significance. Advanced modeling of protein sequence and biophysical properties (such as structural, functional, and spatial information, amino acid conservation, physicochemical variation, residue mobility, and thermodynamic stability) performed at Invitae indicates that this missense variant is not expected to disrupt ALDH5A1 protein function. This variant has not been reported in the literature in individuals affected with ALDH5A1-related conditions. This variant is not present in population databases (gnomAD no frequency). This sequence change replaces alanine, which is neutral and non-polar, with serine, which is neutral and polar, at codon 48 of the ALDH5A1 protein (p.Ala48Ser).

NM_001080.3(ALDH5A1):c.142G>T (p.Ala48Ser)

Genes: ALDH5A1 (aldehyde dehydrogenase 5 family member A1; plus strand), GPLD1 (glycosylphosphatidylinositol specific phospholipase D1; minus strand), LOC129995978 (ATAC-STARR-seq lymphoblastoid silent region 16989; plus strand). Cytogenetic location: 6p22.3.
Variant type: single nucleotide variant.
Coding change: c.142G>T on transcript NM_001080.3 (MANE Select); coding-DNA position 142, G replaced by T.
Protein change: p.Ala48Ser; replaces alanine 48 with serine.
Molecular consequence: missense variant.
Genome position (GRCh38, 1-based): chr6:24,495,138, G>T. VCF-style: chr6-24495138-G-T. GRCh37 (hg19) VCF-style: chr6-24495366-G-T.
Other names: c.142G>T, p.Ala48Ser (NM_001368954.1, NM_170740.1); short protein forms A48S.
Identifiers: ClinVar variation 2071976 (VCV002071976.4), dbSNP rs1188474690, ClinGen allele CA362968312.